The following is an entry in ClinVar:

NM_000057.4(BLM):c.1330T>C (p.Cys444Arg)

Gene: BLM (BLM RecQ like helicase; plus strand). Cytogenetic location: 15q26.1.
Variant type: single nucleotide variant.
Coding change: c.1330T>C on transcript NM_000057.4 (MANE Select); coding-DNA position 1330, T replaced by C.
Protein change: p.Cys444Arg; replaces cysteine 444 with arginine.
Molecular consequence: missense variant.
Genome position (GRCh38, 1-based): chr15:90,760,703, T>C. VCF-style: chr15-90760703-T-C. GRCh37 (hg19) VCF-style: chr15-91303933-T-C.
Other names: c.1330T>C, p.Cys444Arg (NM_001287246.2, NM_001287247.2); c.205T>C, p.Cys69Arg (NM_001287248.2); short protein forms C69R, C444R.
Identifiers: ClinVar variation 1770143 (VCV001770143.2), dbSNP rs745820610, ClinGen allele CA393842826.
Genomic context (GRCh38, chr15:90,760,703, plus strand): 5'-CTTGGCTCATTGTGGAGATACAGGCCTGATTCACTTGATGGCCCTATGGAGGGTGATTCC[T>C]GCCCTACAGGGAATTCTATGAAGGAGTTAAATTTTTCACACCTTCCCTCAAATTCTGTTT-3'
Protein context (NP_000048.1, residues 434-454): SLDGPMEGDS[Cys444Arg]PTGNSMKELN

ClinVar aggregate classification (germline): Uncertain significance (1 of 4 stars; one submission).

Conditions:
Hereditary cancer-predisposing syndrome. Also called: Hereditary Cancer Syndrome; Hereditary neoplastic syndrome; Neoplastic Syndromes, Hereditary; Tumor predisposition. Identifiers: Orphanet 140162, MedGen C0027672, MeSH D009386, MONDO:0015356.

Submission:

Ambry Genetics
Classification: Uncertain significance for Hereditary cancer-predisposing syndrome. Last evaluated: 2022-10-08. Review status: criteria provided, single submitter. Criteria: Ambry Variant Classification Scheme 2023. Collection method: clinical testing. Allele origin: germline.
Comment: The p.C444R variant (also known as c.1330T>C), located in coding exon 6 of the BLM gene, results from a T to C substitution at nucleotide position 1330. The cysteine at codon 444 is replaced by arginine, an amino acid with highly dissimilar properties. This amino acid position is conserved. In addition, this alteration is predicted to be tolerated by in silico analysis. Since supporting evidence is limited at this time, the clinical significance of this alteration remains unclear.